The following is an entry in ClinVar:

ClinVar aggregate classification (germline): Uncertain significance (1 of 4 stars; one submission).

Conditions:
Hereditary cancer-predisposing syndrome. Also called: Neoplastic Syndromes, Hereditary; Tumor predisposition; Hereditary neoplastic syndrome; Hereditary Cancer Syndrome. Identifiers: Orphanet 140162, MedGen C0027672, MeSH D009386, MONDO:0015356.

gnomAD v4.1: 1 of 1,614,100 alleles (0.000062%); highest among the groups gnomAD compares: Non-Finnish European, 0.000085%; no homozygotes.

Submission:

Ambry Genetics
Classification: Uncertain significance for Hereditary cancer-predisposing syndrome. Last evaluated: 2023-02-28. Review status: criteria provided, single submitter. Criteria: Ambry Variant Classification Scheme 2023. Collection method: clinical testing. Allele origin: germline.
Comment: The p.D114G variant (also known as c.341A>G), located in coding exon 1 of the MET gene, results from an A to G substitution at nucleotide position 341. The aspartic acid at codon 114 is replaced by glycine, an amino acid with similar properties. This amino acid position is conserved. In addition, the in silico prediction for this alteration is inconclusive. Since supporting evidence is limited at this time, the clinical significance of this alteration remains unclear.

NM_000245.4(MET):c.341A>G (p.Asp114Gly)

Gene: MET (MET proto-oncogene, receptor tyrosine kinase; plus strand). Cytogenetic location: 7q31.2.
Variant type: single nucleotide variant.
Coding change: c.341A>G on transcript NM_000245.4 (MANE Select); coding-DNA position 341, A replaced by G.
Protein change: p.Asp114Gly; replaces aspartic acid 114 with glycine.
Molecular consequence: missense variant. On other transcripts: intron variant (1).
Genome position (GRCh38, 1-based): chr7:116,699,425, A>G. VCF-style: chr7-116699425-A-G. GRCh37 (hg19) VCF-style: chr7-116339479-A-G.
Other names: c.341A>G, p.Asp114Gly (NM_001127500.3, NM_001324401.3); c.-91+26848A>G (NM_001324402.2); short protein forms D114G.
Identifiers: ClinVar variation 2453425 (VCV002453425.2), dbSNP rs773659883, ClinGen allele CA164888224.